The following is an entry in ClinVar:

NM_003482.4(KMT2D):c.10369_10370del (p.Leu3457fs)

Gene: KMT2D (lysine methyltransferase 2D; minus strand). Cytogenetic location: 12q13.12.
Variant type: Microsatellite.
Coding change: c.10369_10370del on transcript NM_003482.4 (MANE Select); coding-DNA positions 10369 to 10370, 2 bases deleted (CT; older notation c.10369_10370delCT).
Protein change: p.Leu3457fs; shifts the reading frame from leucine 3457.
Molecular consequence: frameshift variant.
Genome position (GRCh38, 1-based): chr12:49,034,652-49,034,653, AG deleted on the plus strand (CT on the coding strand, the reverse complement: KMT2D is on the minus strand); deleting any 2 consecutive bases within chr12:49,034,652-49,034,656 gives the same sequence; the c. name uses the placement nearest the transcript's 3' end. VCF-style (leftmost placement, unchanged base first): chr12-49034651-CAG-C. GRCh37 (hg19) VCF-style: chr12-49428434-CAG-C.
Other names: c.10369_10370delCT (NM_003482.3); short protein forms L3457fs.
Identifiers: ClinVar variation 432931 (VCV000432931.2), dbSNP rs1555189455, ClinGen allele CA645372911.

ClinVar aggregate classification (germline): Pathogenic (1 of 4 stars; one submission).

Submission:

GeneDx
Classification: Pathogenic. Last evaluated: 2017-06-14. Review status: criteria provided, single submitter. Criteria: GeneDx Variant Classification (06012015). Collection method: clinical testing. Allele origin: germline. Affected: yes.
Comment: The c.10369_10370delCT variant in the KMT2D gene has not been reported previously as a pathogenic variant nor as a benign variant, to our knowledge. The c.10369_10370delCT variant causes a frameshift starting with codon Leucine 3457, changes this amino acid to an Alanine residue, and creates a premature Stop codon at position 10 of the new reading frame, denoted p.Leu3457AlafsX10. This variant is predicted to cause loss of normal protein function either through protein truncation or nonsense-mediated mRNA decay. The c.10369_10370delCT variant is not observed in large population cohorts (Lek et al., 2016; 1000 Genomes Consortium et al., 2015; Exome Variant Server). We interpret c.10369_10370delCT as a pathogenic variant.